The following is an entry in ClinVar:

NM_022041.4(GAN):c.1229T>G (p.Val410Gly)

Gene: GAN (gigaxonin; plus strand). Cytogenetic location: 16q23.2.
Variant type: single nucleotide variant.
Coding change: c.1229T>G on transcript NM_022041.4 (MANE Select); coding-DNA position 1229, T replaced by G.
Protein change: p.Val410Gly; replaces valine 410 with glycine.
Molecular consequence: missense variant.
Genome position (GRCh38, 1-based): chr16:81,363,936, T>G. VCF-style: chr16-81363936-T-G. GRCh37 (hg19) VCF-style: chr16-81397541-T-G.
Other names: c.590T>G, p.Val197Gly (NM_001377486.1); short protein forms V197G, V410G.
Identifiers: ClinVar variation 854452 (VCV000854452.9), dbSNP rs1484191388, ClinGen allele CA396890757.
Genomic context (GRCh38, chr16:81,363,936, plus strand): 5'-CCATGGAGTGTTACGATATTTATTCTAAAACCTGGACAAAGCAACCTGATTTGACCATGG[T>G]CAGAAAGGTGAGGACTGCATTTTGTGATAACTAGTCTGTGTACACATTGGATTTTAAACT-3'
Protein context (NP_071324.1, residues 400-420): TWTKQPDLTM[Val410Gly]RKIGCYAAMK

ClinVar aggregate classification (germline): Uncertain significance (1 of 4 stars; one submission).

Conditions:
Giant axonal neuropathy 1 (GAN1). Also called: GAN-Related Neurodegeneration; GIANT AXONAL NEUROPATHY 1, AUTOSOMAL RECESSIVE. Identifiers: Orphanet 643, MedGen C1850386, MONDO:0009749, OMIM 256850.

Allele frequency attached by ClinVar (database versions not stated): TOPMed below 0.00001; gnomAD 0.00001.

Submission:

Labcorp Genetics (formerly Invitae), Labcorp
Classification: Uncertain significance for Giant axonal neuropathy 1. Last evaluated: 2019-04-22. Review status: criteria provided, single submitter. Criteria: Invitae Variant Classification Sherloc (09022015). Collection method: clinical testing. Allele origin: germline.
Comment: This sequence change replaces valine with glycine at codon 410 of the GAN protein (p.Val410Gly). The valine residue is highly conserved and there is a moderate physicochemical difference between valine and glycine. This variant is not present in population databases (ExAC no frequency). This variant has not been reported in the literature in individuals with GAN-related conditions. Algorithms developed to predict the effect of missense changes on protein structure and function (SIFT, PolyPhen-2, Align-GVGD) all suggest that this variant is likely to be tolerated, but these predictions have not been confirmed by published functional studies and their clinical significance is uncertain. In summary, the available evidence is currently insufficient to determine the role of this variant in disease. Therefore, it has been classified as a Variant of Uncertain Significance.